The following is an entry in ClinVar:

ClinVar aggregate classification (germline): Uncertain significance (1 of 4 stars; one submission).

Conditions:
Familial thoracic aortic aneurysm and aortic dissection (TAAD). Also called: Thoracic aortic aneurysms and dissections. Identifiers: Orphanet 91387, MedGen C4707243, MONDO:0019625.

Submission:

Labcorp Genetics (formerly Invitae), Labcorp
Classification: Uncertain significance for Familial thoracic aortic aneurysm and aortic dissection. Last evaluated: 2025-12-29. Review status: criteria provided, single submitter. Criteria: Invitae Variant Classification Sherloc (09022015). Collection method: clinical testing. Allele origin: germline.
Comment: This sequence change replaces lysine, which is basic and polar, with asparagine, which is neutral and polar, at codon 343 of the TGFBR1 protein (p.Lys343Asn). This variant is not present in population databases (gnomAD no frequency). This variant has not been reported in the literature in individuals affected with TGFBR1-related conditions. Invitae Evidence Modeling of protein sequence and biophysical properties (such as structural, functional, and spatial information, amino acid conservation, physicochemical variation, residue mobility, and thermodynamic stability) indicates that this missense variant is not expected to disrupt TGFBR1 protein function with a negative predictive value of 80%. In summary, the available evidence is currently insufficient to determine the role of this variant in disease. Therefore, it has been classified as a Variant of Uncertain Significance.

NM_004612.4(TGFBR1):c.1029G>T (p.Lys343Asn)

Gene: TGFBR1 (transforming growth factor beta receptor 1; plus strand). Cytogenetic location: 9q22.33.
Variant type: single nucleotide variant.
Coding change: c.1029G>T on transcript NM_004612.4 (MANE Select); coding-DNA position 1029, G replaced by T.
Protein change: p.Lys343Asn; replaces lysine 343 with asparagine.
Molecular consequence: missense variant. On other transcripts: non-coding transcript variant (4).
Genome position (GRCh38, 1-based): chr9:99,144,787, G>T. VCF-style: chr9-99144787-G-T. GRCh37 (hg19) VCF-style: chr9-101907069-G-T.
Other names: c.798G>T, p.Lys266Asn (NM_001130916.3, NM_001407435.1); c.1041G>T, p.Lys347Asn (NM_001306210.2); c.873G>T, p.Lys291Asn (NM_001407416.1); c.861G>T, p.Lys287Asn (NM_001407417.1); c.834G>T, p.Lys278Asn (NM_001407418.1, NM_001407419.1, NM_001407420.1 and 1 more transcripts); c.822G>T, p.Lys274Asn (NM_001407423.1, NM_001407424.1, NM_001407425.1 and 8 more transcripts); c.783G>T, p.Lys261Asn (NM_001407436.1); c.321G>T, p.Lys107Asn (NM_001407437.1); and 1 more; short protein forms K184N, K261N, K291N, K347N, K107N, K266N, K274N, K278N.
Identifiers: ClinVar variation 4745051 (VCV004745051.1).
Genomic context (GRCh38, chr9:99,144,787, plus strand): 5'-TTTAGGAAAGCCAGCCATTGCTCATAGAGATTTGAAATCAAAGAATATCTTGGTAAAGAA[G>T]AATGGAACTTGCTGTATTGCAGACTTAGGACTGGCAGTAAGACATGATTCAGCCACAGAT-3'
Protein context (NP_004603.1, residues 333-353): DLKSKNILVK[Lys343Asn]NGTCCIADLG